The following is an entry in ClinVar:

ClinVar aggregate classification (germline): Uncertain significance (1 of 4 stars; one submission).

Conditions:
TMEM165-congenital disorder of glycosylation. Also called: CDG IIk; TMEM165-CDG; Congenital disorder of glycosylation type 2k. Identifiers: Orphanet 314667, MedGen C3553571, MONDO:0013870, OMIM 614727.

gnomAD v4.1: 1 of 1,611,854 alleles (0.000062%); highest among the groups gnomAD compares: Non-Finnish European, 0.000085%; no homozygotes.

Submission:

Labcorp Genetics (formerly Invitae), Labcorp
Classification: Uncertain significance for TMEM165-congenital disorder of glycosylation. Last evaluated: 2025-10-07. Review status: criteria provided, single submitter. Criteria: Invitae Variant Classification Sherloc (09022015). Collection method: clinical testing. Allele origin: germline.
Comment: This sequence change replaces alanine, which is neutral and non-polar, with threonine, which is neutral and polar, at codon 75 of the TMEM165 protein (p.Ala75Thr). This variant is not present in population databases (gnomAD no frequency). This variant has not been reported in the literature in individuals affected with TMEM165-related conditions. Invitae Evidence Modeling of protein sequence and biophysical properties (such as structural, functional, and spatial information, amino acid conservation, physicochemical variation, residue mobility, and thermodynamic stability) indicates that this missense variant is not expected to disrupt TMEM165 protein function with a negative predictive value of 80%. In summary, the available evidence is currently insufficient to determine the role of this variant in disease. Therefore, it has been classified as a Variant of Uncertain Significance.

NM_018475.5(TMEM165):c.223G>A (p.Ala75Thr)

Gene: TMEM165 (transmembrane protein 165; plus strand). Cytogenetic location: 4q12.
Variant type: single nucleotide variant.
Coding change: c.223G>A on transcript NM_018475.5 (MANE Select); coding-DNA position 223, G replaced by A.
Protein change: p.Ala75Thr; replaces alanine 75 with threonine.
Molecular consequence: missense variant. On other transcripts: non-coding transcript variant (1).
Genome position (GRCh38, 1-based): chr4:55,411,629, G>A. VCF-style: chr4-55411629-G-A. GRCh37 (hg19) VCF-style: chr4-56277796-G-A.
Other names: short protein forms A75T.
Identifiers: ClinVar variation 4812203 (VCV004812203.1).